The following is an entry in ClinVar:

ClinVar aggregate classification (germline): Uncertain significance (1 of 4 stars; one submission).

Conditions:
Inborn genetic diseases. Identifiers: MedGen C0950123, MeSH D030342.

Submission:

Ambry Genetics
Classification: Uncertain significance for Inborn genetic diseases. Last evaluated: 2021-02-23. Review status: criteria provided, single submitter. Criteria: Ambry Variant Classification Scheme 2023. Collection method: clinical testing. Allele origin: germline.
Comment: The c.358C>A (p.H120N) alteration is located in exon 1 (coding exon 1) of the SPAST gene. This alteration results from a C to A substitution at nucleotide position 358, causing the histidine (H) at amino acid position 120 to be replaced by an asparagine (N). The p.H120N alteration is predicted to be tolerated by in silico analysis. Based on insufficient or conflicting evidence, the clinical significance of this alteration remains unclear.

NM_014946.4(SPAST):c.358C>A (p.His120Asn)

Gene: SPAST (spastin; plus strand). Cytogenetic location: 2p22.3.
Variant type: single nucleotide variant.
Coding change: c.358C>A on transcript NM_014946.4 (MANE Select); coding-DNA position 358, C replaced by A.
Protein change: p.His120Asn; replaces histidine 120 with asparagine.
Molecular consequence: missense variant.
Genome position (GRCh38, 1-based): chr2:32,064,189, C>A. VCF-style: chr2-32064189-C-A. GRCh37 (hg19) VCF-style: chr2-32289258-C-A.
Other names: c.358C>A, p.His120Asn (NM_001363823.2, NM_001363875.2, NM_001377959.1 and 1 more transcripts); short protein forms H120N.
Identifiers: ClinVar variation 2229305 (VCV002229305.2), dbSNP rs2465682692, ClinGen allele CA346602385.
Genomic context (GRCh38, chr2:32,064,189, plus strand): 5'-GCCTCGGCCTCGGCCCCGGCGCCGGTGCCGGGCGGCGAGGCCGAGCGCGTCCGAGTCTTC[C>A]ACAAACAGGCCTTCGAGTACATCTCCATTGCCCTGCGCATCGATGAGGATGAGAAAGGTA-3'
Protein context (NP_055761.2, residues 110-130): GGEAERVRVF[His120Asn]KQAFEYISIA